The following is an entry in ClinVar:

NM_000041.4(APOE):c.598G>C (p.Gly200Arg)

Gene: APOE (apolipoprotein E; plus strand). Cytogenetic location: 19q13.32.
Variant type: single nucleotide variant.
Coding change: c.598G>C on transcript NM_000041.4 (MANE Select); coding-DNA position 598, G replaced by C.
Protein change: p.Gly200Arg; replaces glycine 200 with arginine.
Molecular consequence: missense variant.
Genome position (GRCh38, 1-based): chr19:44,908,894, G>C. VCF-style: chr19-44908894-G-C. GRCh37 (hg19) VCF-style: chr19-45412151-G-C.
Other names: c.676G>C, p.Gly226Arg (NM_001302688.2); c.598G>C, p.Gly200Arg (NM_001302689.2, NM_001302690.2, NM_001302691.2); short protein forms G200R, G226R.
Identifiers: ClinVar variation 1750896 (VCV001750896.2), dbSNP rs1164213063, ClinGen allele CA406304342.

ClinVar aggregate classification (germline): Uncertain significance (1 of 4 stars; one submission).

Conditions:
Cardiovascular phenotype. Identifiers: MedGen CN230736.

Submission:

Ambry Genetics
Classification: Uncertain significance for Cardiovascular phenotype. Last evaluated: 2022-02-04. Review status: criteria provided, single submitter. Criteria: Ambry Variant Classification Scheme 2023. Collection method: clinical testing. Allele origin: germline.
Comment: The p.G200R variant (also known as c.598G>C), located in coding exon 3 of the APOE gene, results from a G to C substitution at nucleotide position 598. The glycine at codon 200 is replaced by arginine, an amino acid with dissimilar properties. This amino acid position is conserved. In addition, this alteration is predicted to be tolerated by in silico analysis. Since supporting evidence is limited at this time, the clinical significance of this alteration remains unclear.